The following is an entry in ClinVar:

ClinVar aggregate classification (germline): Uncertain significance (1 of 4 stars; one submission).

Conditions:
Evans syndrome, immunodeficiency, and premature immunosenescence associated with tripeptidyl-peptidase II deficiency. Identifiers: MedGen CN231723. Disease mechanism: loss of function.

Allele frequency attached by ClinVar (database versions not stated): gnomAD exomes below 0.00001; TOPMed below 0.00001.
gnomAD v4.1: 1 of 1,614,030 alleles (0.000062%); highest among the groups gnomAD compares: South Asian, 0.0011%; no homozygotes.

Submission:

Labcorp Genetics (formerly Invitae), Labcorp
Classification: Uncertain significance for Evans syndrome, immunodeficiency, and premature immunosenescence associated with tripeptidyl-peptidase II deficiency. Last evaluated: 2023-08-10. Review status: criteria provided, single submitter. Criteria: Invitae Variant Classification Sherloc (09022015). Collection method: clinical testing. Allele origin: germline.
Comment: ClinVar contains an entry for this variant (Variation ID: 1345704). This variant has not been reported in the literature in individuals affected with TPP2-related conditions. This variant is present in population databases (no rsID available, gnomAD 0.003%). This sequence change replaces glutamine, which is neutral and polar, with glutamic acid, which is acidic and polar, at codon 776 of the TPP2 protein (p.Gln776Glu). In summary, the available evidence is currently insufficient to determine the role of this variant in disease. Therefore, it has been classified as a Variant of Uncertain Significance. An algorithm developed to predict the effect of missense changes on protein structure and function (PolyPhen-2) suggests that this variant is likely to be tolerated.

NM_001330588.2(TPP2):c.2326C>G (p.Gln776Glu)

Gene: TPP2 (tripeptidyl peptidase 2; plus strand). Cytogenetic location: 13q33.1.
Variant type: single nucleotide variant.
Coding change: c.2326C>G on transcript NM_001330588.2 (MANE Select); coding-DNA position 2326, C replaced by G.
Protein change: p.Gln776Glu; replaces glutamine 776 with glutamic acid.
Molecular consequence: missense variant. On other transcripts: non-coding transcript variant (1).
Genome position (GRCh38, 1-based): chr13:102,644,942, C>G. VCF-style: chr13-102644942-C-G. GRCh37 (hg19) VCF-style: chr13-103297292-C-G.
Other names: c.2326C>G, p.Gln776Glu (NM_001367947.1, NM_003291.4); short protein forms Q776E.
Identifiers: ClinVar variation 1345704 (VCV001345704.8), dbSNP rs1475774294, ClinGen allele CA388497193.